The following is an entry in ClinVar:

ClinVar aggregate classification (germline): Uncertain significance (1 of 4 stars; one submission).

Conditions:
Cardiovascular phenotype. Identifiers: MedGen CN230736.

Allele frequency attached by ClinVar (database versions not stated): ExAC 0.00001.

Submission:

Ambry Genetics
Classification: Uncertain significance for Cardiovascular phenotype. Last evaluated: 2019-09-12. Review status: criteria provided, single submitter. Criteria: Ambry Variant Classification Scheme 2023. Collection method: clinical testing. Allele origin: germline.
Comment: The p.P3762S variant (also known as c.11284C>T), located in coding exon 44 of the TTN gene, results from a C to T substitution at nucleotide position 11284. The proline at codon 3762 is replaced by serine, an amino acid with similar properties. This amino acid position is not well conserved in available vertebrate species, and serine is the reference amino acid in other vertebrate species. In addition, this alteration is predicted to be tolerated by in silico analysis. Since supporting evidence is limited at this time, the clinical significance of this alteration remains unclear.

NM_001267550.2(TTN):c.12373C>T (p.Pro4125Ser)

Gene: TTN (titin; minus strand). Cytogenetic location: 2q31.2.
Variant type: single nucleotide variant.
Coding change: c.12373C>T on transcript NM_001267550.2 (MANE Select); coding-DNA position 12373, C replaced by T.
Protein change: p.Pro4125Ser; replaces proline 4125 with serine.
Molecular consequence: missense variant. On other transcripts: intron variant (1).
Genome position (GRCh38, 1-based): chr2:178,740,860, G>A on the plus strand (C>T on the coding strand, the complement: TTN is on the minus strand). VCF-style: chr2-178740860-G-A. GRCh37 (hg19) VCF-style: chr2-179605587-G-A.
Other names: c.11422C>T, p.Pro3808Ser (NM_001256850.1); c.11284C>T, p.Pro3762Ser (NM_003319.4); c.11659C>T, p.Pro3887Ser (NM_133432.3); c.11860C>T, p.Pro3954Ser (NM_133437.4); c.10361-2500C>T (NM_133378.4); short protein forms P3887S, P3954S, P3762S, P3808S, P4125S.
Identifiers: ClinVar variation 1727297 (VCV001727297.2), dbSNP rs747764667, ClinGen allele CA2002726.